The following is an entry in ClinVar:

ClinVar aggregate classification (germline): Benign (1 of 4 stars; one submission).

Conditions:
CBL-related disorder. Also called: CBL MUTATION-ASSOCIATED SYNDROME; CBL SYNDROME; NOONAN SYNDROME-LIKE DISORDER WITHOUT JUVENILE MYELOMONOCYTIC LEUKEMIA. Identifiers: Orphanet 363972, MedGen C3150803, MONDO:0013308, OMIM 613563.

Allele frequency attached by ClinVar (database versions not stated): TOPMed 0.00001; gnomAD 0.00002 and 0.00007; gnomAD exomes 0.00009; 1000 Genomes Project 0.00040; 1000 Genomes Project 30x 0.00047.
gnomAD v4.1: 18 of 233,180 alleles (0.0077%); highest among the groups gnomAD compares: Middle Eastern, 0.38%; no homozygotes.

Submission:

Illumina Laboratory Services, Illumina
Classification: Benign for CBL-related disorder. Last evaluated: 2018-01-13. Review status: criteria provided, single submitter. Criteria: ICSL Variant Classification Criteria 13 December 2019. Collection method: clinical testing. Allele origin: germline.
Comment: This variant was observed in the ICSL laboratory as part of a predisposition screen in an ostensibly healthy population. It had not been previously curated by ICSL or reported in the Human Gene Mutation Database (HGMD: prior to June 1st, 2018), and was therefore a candidate for classification through an automated scoring system. Utilizing variant allele frequency, disease prevalence and penetrance estimates, and inheritance mode, an automated score was calculated to assess if this variant is too frequent to cause the disease. Based on the score and internal cut-off values, a variant classified as benign is not then subjected to further curation. The score for this variant resulted in a classification of benign for this disease.

NM_005188.4(CBL):c.*2147C>G

Gene: CBL (Cbl proto-oncogene; plus strand). Cytogenetic location: 11q23.3.
Variant type: single nucleotide variant.
Coding change: c.*2147C>G on transcript NM_005188.4 (MANE Select); 2147 bases downstream of the stop codon, C replaced by G.
Molecular consequence: 3 prime UTR variant.
Genome position (GRCh38, 1-based): chr11:119,301,928, C>G. VCF-style: chr11-119301928-C-G. GRCh37 (hg19) VCF-style: chr11-119172638-C-G.
Identifiers: ClinVar variation 878489 (VCV000878489.4), dbSNP rs574006776, ClinGen allele CA229654245.